The following is an entry in ClinVar:

NM_022455.5(NSD1):c.6429C>T (p.His2143=)

Gene: NSD1 (nuclear receptor binding SET domain protein 1; plus strand). Cytogenetic location: 5q35.3.
Variant type: single nucleotide variant.
Coding change: c.6429C>T on transcript NM_022455.5 (MANE Select); coding-DNA position 6429, C replaced by T.
Protein change: p.His2143=; no amino-acid change (histidine 2143 retained).
Molecular consequence: synonymous variant.
Genome position (GRCh38, 1-based): chr5:177,292,124, C>T. VCF-style: chr5-177292124-C-T. GRCh37 (hg19) VCF-style: chr5-176719125-C-T.
Other names: c.5556C>T, p.His1852= (NM_001365684.2, NM_001409308.1, NM_172349.5); c.6429C>T, p.His2143= (NM_001409301.1, NM_001409302.1, NM_001409303.1); c.6009C>T, p.His2003= (NM_001409304.1); c.5676C>T, p.His1892= (NM_001409305.1); c.5667C>T, p.His1889= (NM_001409306.1, NM_001409307.1); c.5307C>T, p.His1769= (NM_001409309.1).
Identifiers: ClinVar variation 390182 (VCV000390182.37), dbSNP rs121908068, ClinGen allele CA3577987.

ClinVar aggregate classification (germline): Likely benign. Review status: criteria provided, multiple submitters, no conflicts (2 of 4 stars). 6 submissions from 6 submitters: Likely benign (5). 1 of the submissions does not count toward it. Last evaluated 2025-06-15.

Conditions:
Inborn genetic diseases. Identifiers: MedGen C0950123, MeSH D030342.
NSD1-related disorder. Also called: NSD1-related condition.

Allele frequency attached by ClinVar (database versions not stated): gnomAD exomes 0.00008 and 0.00014; gnomAD 0.00009; ExAC 0.00010; TOPMed 0.00012.
gnomAD v4.1: 218 of 1,614,184 alleles (0.014%); highest among the groups gnomAD compares: East Asian, 0.018%; no homozygotes.

Submissions (6):

Labcorp Genetics (formerly Invitae), Labcorp
Classification: Likely benign. Last evaluated: 2025-06-15. Review status: criteria provided, single submitter. Criteria: Invitae Variant Classification Sherloc (09022015). Collection method: clinical testing. Allele origin: germline.

Blueprint Genetics
Classification: Likely benign. Last evaluated: 2024-10-23. Review status: criteria provided, single submitter. Criteria: ACMG Guidelines, 2015. Collection method: clinical testing. Allele origin: germline.

Ambry Genetics
Classification: Likely benign for Inborn genetic diseases. Last evaluated: 2023-12-04. Review status: criteria provided, single submitter. Criteria: Ambry Variant Classification Scheme 2023. Collection method: clinical testing. Allele origin: germline.

CeGaT Center for Human Genetics Tuebingen
Classification: Likely benign. Last evaluated: 2023-08-01. Review status: criteria provided, single submitter. Criteria: CeGaT Center For Human Genetics Tuebingen Variant Classification Criteria Version 2. Collection method: clinical testing. Allele origin: germline. Affected: yes. Observed: 1 variant allele.
Comment: NSD1: BP4, BP7

GeneDx
Classification: Likely benign. Last evaluated: 2021-03-23. Review status: criteria provided, single submitter. Criteria: GeneDx Variant Classification Process June 2021. Collection method: clinical testing. Allele origin: germline. Affected: yes.

PreventionGenetics, part of Exact Sciences
Classification: Likely benign for NSD1-related condition. Last evaluated: 2019-11-26. Review status: no assertion criteria provided. Collection method: clinical testing. Allele origin: germline. Not counted in ClinVar's aggregate classification.
Comment: This variant is classified as likely benign based on ACMG/AMP sequence variant interpretation guidelines (Richards et al. 2015 PMID: 25741868, with internal and published modifications).